The following is an entry in ClinVar:

NM_000088.4(COL1A1):c.670G>A (p.Gly224Ser)

Gene: COL1A1 (collagen type I alpha 1 chain; minus strand). Cytogenetic location: 17q21.33.
Variant type: single nucleotide variant.
Coding change: c.670G>A on transcript NM_000088.4 (MANE Select); coding-DNA position 670, G replaced by A.
Protein change: p.Gly224Ser; replaces glycine 224 with serine.
Molecular consequence: missense variant.
Genome position (GRCh38, 1-based): chr17:50,197,758, C>T on the plus strand (G>A on the coding strand, the complement: COL1A1 is on the minus strand). VCF-style: chr17-50197758-C-T. GRCh37 (hg19) VCF-style: chr17-48275119-C-T.
Other names: short protein forms G224S.
Identifiers: ClinVar variation 2435758 (VCV002435758.6), dbSNP rs72667038, ClinGen allele CA400224680.

ClinVar aggregate classification (germline): Pathogenic. Review status: criteria provided, multiple submitters, no conflicts (2 of 4 stars). 2 submissions from 2 submitters: Pathogenic (2). Last evaluated 2024-01-07.

Conditions:
Osteogenesis imperfecta type I (OI1). Also called: Lobstein's Disease; Classic Non-deforming Osteogenesis Imperfecta with Blue Sclerae; OI, TYPE I; OSTEOGENESIS IMPERFECTA TARDA; OSTEOGENESIS IMPERFECTA WITH BLUE SCLERAE; Osteogenesis imperfecta type 1. Identifiers: Orphanet 216796, Orphanet 666, MedGen C0023931, MONDO:0008146, OMIM 166200. Disease mechanism: loss of function.

Submissions (2):

Labcorp Genetics (formerly Invitae), Labcorp
Classification: Pathogenic for Osteogenesis imperfecta type I. Last evaluated: 2024-01-07. Review status: criteria provided, single submitter. Criteria: Invitae Variant Classification Sherloc (09022015). Collection method: clinical testing. Allele origin: germline.
Comment: This sequence change replaces glycine, which is neutral and non-polar, with serine, which is neutral and polar, at codon 224 of the COL1A1 protein (p.Gly224Ser). This variant is not present in population databases (gnomAD no frequency). This missense change has been observed in individuals with Ehlers-Danlos syndrome and/or osteogenesis imperfecta (PMID: 22206639, 31794058, 33939306). ClinVar contains an entry for this variant (Variation ID: 2435758). Advanced modeling of protein sequence and biophysical properties (such as structural, functional, and spatial information, amino acid conservation, physicochemical variation, residue mobility, and thermodynamic stability) performed at Invitae indicates that this missense variant is expected to disrupt COL1A1 protein function with a positive predictive value of 95%. This variant disrupts the triple helix domain of COL1A1. Glycine residues within the Gly-Xaa-Yaa repeats of the triple helix domain are required for the structure and stability of fibrillar collagens (PMID: 7695699, 8218237, 19344236). In COL1A1, variants affecting these glycine residues are significantly enriched in individuals with disease (PMID: 9016532, 17078022) compared to the general population (ExAC). For these reasons, this variant has been classified as Pathogenic.

Revvity Omics, Revvity
Classification: Pathogenic. Last evaluated: 2023-01-03. Review status: criteria provided, single submitter. Criteria: ACMG Guidelines, 2015. Collection method: clinical testing. Allele origin: germline.

Literature cited by the submitters: PubMed 22206639 (cited by Labcorp Genetics (formerly Invitae), Labcorp); PubMed 31794058 (cited by Labcorp Genetics (formerly Invitae), Labcorp); PubMed 33939306 (cited by Labcorp Genetics (formerly Invitae), Labcorp); PubMed 7695699 (cited by Labcorp Genetics (formerly Invitae), Labcorp); PubMed 8218237 (cited by Labcorp Genetics (formerly Invitae), Labcorp); PubMed 19344236 (cited by Labcorp Genetics (formerly Invitae), Labcorp); PubMed 9016532 (cited by Labcorp Genetics (formerly Invitae), Labcorp); PubMed 17078022 (cited by Labcorp Genetics (formerly Invitae), Labcorp).